The following is an entry in ClinVar:

ClinVar aggregate classification (germline): Uncertain significance. Review status: criteria provided, multiple submitters, no conflicts (2 of 4 stars). 4 submissions from 4 submitters: Uncertain significance (3). 1 of the submissions does not count toward it. Last evaluated 2025-02-05.

Conditions:
Arrhythmogenic right ventricular dysplasia 11. Also called: Arrhythmogenic right ventricular dysplasia 11 with mild palmoplantar keratoderma and woolly hair; Arrhythmogenic Right Ventricular Dysplasia/Cardiomyopathy11; ARRHYTHMOGENIC RIGHT VENTRICULAR DYSPLASIA, FAMILIAL, 11. Identifiers: MedGen C1864850, MONDO:0012506, OMIM 610476.
Familial isolated arrhythmogenic right ventricular dysplasia. Identifiers: Orphanet 217656, MedGen C4274968, MONDO:0016342.
Cardiomyopathy (CMYO). Also called: Cardiomyopathies. Identifiers: Orphanet 167848, MedGen C0878544, MONDO:0004994, HP:0001638. Inheritance: Various modes of inheritance.

Allele frequency attached by ClinVar (database versions not stated): 1000 Genomes Project 30x 0.00016; gnomAD exomes below 0.00001; 1000 Genomes Project 0.00020; TOPMed below 0.00001; gnomAD 0.00001.
gnomAD v4.1: 10 of 1,613,854 alleles (0.00062%); highest among the groups gnomAD compares: Admixed American, 0.0067%; no homozygotes.

Submissions (4):

Labcorp Genetics (formerly Invitae), Labcorp
Classification: Uncertain significance for Arrhythmogenic right ventricular dysplasia 11. Last evaluated: 2025-02-05. Review status: criteria provided, single submitter. Criteria: Invitae Variant Classification Sherloc (09022015). Collection method: clinical testing. Allele origin: germline.
Comment: This sequence change replaces arginine, which is basic and polar, with glutamine, which is neutral and polar, at codon 183 of the DSC2 protein (p.Arg183Gln). This variant is present in population databases (rs554713834, gnomAD 0.003%). This variant has not been reported in the literature in individuals affected with DSC2-related conditions. ClinVar contains an entry for this variant (Variation ID: 536264). Invitae Evidence Modeling of protein sequence and biophysical properties (such as structural, functional, and spatial information, amino acid conservation, physicochemical variation, residue mobility, and thermodynamic stability) indicates that this missense variant is not expected to disrupt DSC2 protein function with a negative predictive value of 80%. In summary, the available evidence is currently insufficient to determine the role of this variant in disease. Therefore, it has been classified as a Variant of Uncertain Significance.

All of Us Research Program, National Institutes of Health
Classification: Uncertain significance for Familial isolated arrhythmogenic right ventricular dysplasia. Last evaluated: 2024-02-22. Review status: criteria provided, single submitter. Criteria: ACMG Guidelines, 2015. Collection method: clinical testing. Allele origin: germline. Inheritance: Autosomal dominant inheritance. Observed: 1 variant allele, 1 heterozygote.
Comment: This missense variant replaces arginine with glutamine at codon 183 of the DSC2 protein. Computational prediction suggests that this variant may not impact protein structure and function (internally defined REVEL score threshold <= 0.5, PMID: 27666373). Splice site prediction tools suggest that this variant may not impact RNA splicing. To our knowledge, functional studies have not been performed for this variant. This variant has not been reported in individuals affected with cardiovascular disorders in the literature. This variant has been identified in 1/251338 chromosomes in the general population by the Genome Aggregation Database (gnomAD). The available evidence is insufficient to determine the role of this variant in disease conclusively. Therefore, this variant is classified as a Variant of Uncertain Significance.

This study involves interpretation of variants in research participants for the purpose of population health screening. Participant phenotype was not available at the time of variant classification. Additional details can be found in publication PMID: 35346344, PMCID: PMC8962531

Color Diagnostics, LLC DBA Color Health
Classification: Uncertain significance for Cardiomyopathy. Last evaluated: 2024-02-07. Review status: criteria provided, single submitter. Criteria: ACMG Guidelines, 2015. Collection method: clinical testing. Allele origin: germline.
Comment: This missense variant replaces arginine with glutamine at codon 183 of the DSC2 protein. Computational prediction suggests that this variant may not impact protein structure and function (internally defined REVEL score threshold <= 0.5, PMID: 27666373). To our knowledge, functional studies have not been reported for this variant. This variant has not been reported in individuals affected with DSC2-related disorders in the literature. This variant has been identified in 1/251338 chromosomes in the general population by the Genome Aggregation Database (gnomAD). The available evidence is insufficient to determine the role of this variant in disease conclusively. Therefore, this variant is classified as a Variant of Uncertain Significance.

Department of Pathology and Laboratory Medicine, Sinai Health System
Classification: Uncertain significance. Review status: no assertion criteria provided. Collection method: clinical testing. Allele origin: unknown. Affected: yes. Study: The Canadian Open Genetics Repository (COGR). Not counted in ClinVar's aggregate classification.
Comment: The DSC2 p.Arg183Gln variant was not identified in the literature nor was it identified in LOVD 3.0. The variant was identified in dbSNP (ID: rs554713834), ClinVar (classified as a VUS by Invitae for Arrhythmogenic right ventricular cardiomyopathy, type 11) and Cosmic (predicted neutral by FATHMM; score=0.02). The variant was also identified in control databases in 1 of 251338 chromosomes at a frequency of 0.000004 (Genome Aggregation Database Feb 27, 2017). The variant was observed in the following population: South Asian in 1 of 30612 chromosomes (freq: 0.000033); it was not observed in the African, Latino, Ashkenazi Jewish, East Asian, European (Finnish), European (non-Finnish), and Other populations. The p.Arg183 residue is not conserved in mammals and four out of five computational analyses (SIFT, AlignGVGD, BLOSUM, MutationTaster) do not suggest a high likelihood of impact to the protein; however, this information is not predictive enough to rule out pathogenicity. The variant occurs outside of the splicing consensus sequence and in silico or computational prediction software programs (SpliceSiteFinder, MaxEntScan, NNSPLICE, GeneSplicer) do not predict a difference in splicing. In summary, based on the above information the clinical significance of this variant cannot be determined with certainty at this time. This variant is classified as a variant of uncertain significance.

NM_024422.6(DSC2):c.548G>A (p.Arg183Gln)

Gene: DSC2 (desmocollin 2; minus strand). Cytogenetic location: 18q12.1.
Variant type: single nucleotide variant.
Coding change: c.548G>A on transcript NM_024422.6 (MANE Select); coding-DNA position 548, G replaced by A.
Protein change: p.Arg183Gln; replaces arginine 183 with glutamine.
Molecular consequence: missense variant.
Genome position (GRCh38, 1-based): chr18:31,089,521, C>T on the plus strand (G>A on the coding strand, the complement: DSC2 is on the minus strand). VCF-style: chr18-31089521-C-T. GRCh37 (hg19) VCF-style: chr18-28669484-C-T.
Other names: c.548G>A, p.Arg183Gln (NM_004949.5); short protein forms R183Q.
Identifiers: ClinVar variation 536264 (VCV000536264.16), dbSNP rs554713834, ClinGen allele CA038782.